The following is an entry in ClinVar:

ClinVar aggregate classification (germline): Uncertain significance (1 of 4 stars; one submission).

Submission:

GeneDx
Classification: Uncertain significance. Last evaluated: 2022-04-18. Review status: criteria provided, single submitter. Criteria: GeneDx Variant Classification Process June 2021. Collection method: clinical testing. Allele origin: germline. Affected: yes.
Comment: Not observed at significant frequency in large population cohorts (gnomAD); Nonsense variant predicted to result in protein truncation or nonsense mediated decay in a gene or region of a gene for which loss of function is not a well-established mechanism of disease; Has not been previously published as pathogenic or benign to our knowledge

NM_005343.4(HRAS):c.262A>T (p.Lys88Ter)

Genes: HRAS (HRas proto-oncogene, GTPase; minus strand), LRRC56 (leucine rich repeat containing 56; plus strand). Cytogenetic location: 11p15.5.
Variant type: single nucleotide variant.
Coding change: c.262A>T on transcript NM_005343.4 (MANE Select); coding-DNA position 262, A replaced by T.
Protein change: p.Lys88Ter; replaces lysine 88 with a stop codon.
Molecular consequence: nonsense. On other transcripts: 5 prime UTR variant (1).
Genome position (GRCh38, 1-based): chr11:533,794, T>A on the plus strand (A>T on the coding strand, the complement: HRAS is on the minus strand). VCF-style: chr11-533794-T-A. GRCh37 (hg19) VCF-style: chr11-533794-T-A.
Other names: c.262A>T, p.Lys88Ter (NM_176795.5, NM_001130442.3); c.-58A>T (NM_001318054.2); short protein forms K88*.
Identifiers: ClinVar variation 1710887 (VCV001710887.2), dbSNP rs2539796781, ClinGen allele CA378924412.
Genomic context (GRCh38, chr11:533,794, plus strand): 5'-GTGGGCTCCCGGGCCAGCCTCACGGGGTTCACCTGTACTGGTGGATGTCCTCAAAAGACT[T>A]GGTGTTGTTGATGGCAAACACACACAGGAAGCCCTCCCCGGTGCGCATGTACTGGTCCCG-3'